The following is an entry in ClinVar:

ClinVar aggregate classification (germline): Uncertain significance (1 of 4 stars; one submission).

Conditions:
Brugada syndrome 8 (BRGDA8). Identifiers: Orphanet 130, MedGen C2751083, MONDO:0013148, OMIM 613123.

Submission:

Labcorp Genetics (formerly Invitae), Labcorp
Classification: Uncertain significance for Brugada syndrome 8. Last evaluated: 2022-11-01. Review status: criteria provided, single submitter. Criteria: Invitae Variant Classification Sherloc (09022015). Collection method: clinical testing. Allele origin: germline.
Comment: This sequence change replaces arginine, which is basic and polar, with proline, which is neutral and non-polar, at codon 242 of the HCN4 protein (p.Arg242Pro). This variant is not present in population databases (gnomAD no frequency). This variant has not been reported in the literature in individuals affected with HCN4-related conditions. ClinVar contains an entry for this variant (Variation ID: 1403015). Advanced modeling of protein sequence and biophysical properties (such as structural, functional, and spatial information, amino acid conservation, physicochemical variation, residue mobility, and thermodynamic stability) performed at Invitae indicates that this missense variant is not expected to disrupt HCN4 protein function. In summary, the available evidence is currently insufficient to determine the role of this variant in disease. Therefore, it has been classified as a Variant of Uncertain Significance.

NM_005477.3(HCN4):c.725G>C (p.Arg242Pro)

Gene: HCN4 (hyperpolarization activated cyclic nucleotide gated potassium channel 4; minus strand). Cytogenetic location: 15q24.1.
Variant type: single nucleotide variant.
Coding change: c.725G>C on transcript NM_005477.3 (MANE Select); coding-DNA position 725, G replaced by C.
Protein change: p.Arg242Pro; replaces arginine 242 with proline.
Molecular consequence: missense variant.
Genome position (GRCh38, 1-based): chr15:73,367,546, C>G on the plus strand (G>C on the coding strand, the complement: HCN4 is on the minus strand). VCF-style: chr15-73367546-C-G. GRCh37 (hg19) VCF-style: chr15-73659887-C-G.
Other names: short protein forms R242P.
Identifiers: ClinVar variation 1403015 (VCV001403015.8), dbSNP rs1253627105, ClinGen allele CA393097109.